The following is an entry in ClinVar:

NM_133459.4(CCBE1):c.*1969A>G

Gene: CCBE1 (collagen and calcium binding EGF domains 1; minus strand). Cytogenetic location: 18q21.32.
Variant type: single nucleotide variant.
Coding change: c.*1969A>G on transcript NM_133459.4 (MANE Select); 1969 bases downstream of the stop codon, A replaced by G.
Molecular consequence: 3 prime UTR variant.
Genome position (GRCh38, 1-based): chr18:59,433,939, T>C on the plus strand (A>G on the coding strand, the complement: CCBE1 is on the minus strand). VCF-style: chr18-59433939-T-C. GRCh37 (hg19) VCF-style: chr18-57101171-T-C.
Identifiers: ClinVar variation 890203 (VCV000890203.4), dbSNP rs144921615, ClinGen allele CA301037999.

ClinVar aggregate classification (germline): Benign (1 of 4 stars; one submission).

Conditions:
Hennekam lymphangiectasia-lymphedema syndrome 1 (HKLLS1). Also called: LYMPHATIC DYSPLASIA, GENERALIZED. Identifiers: Orphanet 2136, MedGen C4012050, MONDO:0009337, OMIM 235510.

Allele frequency attached by ClinVar (database versions not stated): gnomAD 0.00448 and 0.00467; TOPMed 0.00557; 1000 Genomes Project 30x 0.00593; 1000 Genomes Project 0.00599.

Submission:

Illumina Laboratory Services, Illumina
Classification: Benign for Hennekam lymphangiectasia-lymphedema syndrome 1. Last evaluated: 2018-01-13. Review status: criteria provided, single submitter. Criteria: ICSL Variant Classification Criteria 13 December 2019. Collection method: clinical testing. Allele origin: germline.
Comment: This variant was observed in the ICSL laboratory as part of a predisposition screen in an ostensibly healthy population. It had not been previously curated by ICSL or reported in the Human Gene Mutation Database (HGMD: prior to June 1st, 2018), and was therefore a candidate for classification through an automated scoring system. Utilizing variant allele frequency, disease prevalence and penetrance estimates, and inheritance mode, an automated score was calculated to assess if this variant is too frequent to cause the disease. Based on the score and internal cut-off values, a variant classified as benign is not then subjected to further curation. The score for this variant resulted in a classification of benign for this disease.